The following is an entry in ClinVar:

NM_007272.3(CTRC):c.231_232insG (p.Asn78fs)

Gene: CTRC (chymotrypsin C; plus strand). Cytogenetic location: 1p36.21.
Variant type: Insertion.
Coding change: c.231_232insG on transcript NM_007272.3 (MANE Select); coding-DNA positions 231 to 232, G inserted.
Protein change: p.Asn78fs; shifts the reading frame from asparagine 78.
Molecular consequence: frameshift variant.
Genome position: GRCh38 VCF-style: chr1-15442447-C-CG. GRCh37 (hg19) VCF-style: chr1-15768943-C-CG.
Other names: c.231_232insG (NM_007272.2); short protein forms N78fs.
Identifiers: ClinVar variation 3668644 (VCV003668644.4).
Genomic context (GRCh38, chr1:15,442,447, plus strand): 5'-TATCCCACTGGCTGGCAGGACCAGGGGGCCACCCTGACCTGGACCCCTTCCTCTGCCCAG[C>CG]AACACCCGGACCTACCGTGTGGCCGTGGGAAAGAACAACCTGGAGGTGGAAGACGAAGAA-3'

ClinVar aggregate classification (germline): Conflicting classifications of pathogenicity. Review status: criteria provided, conflicting classifications (1 of 4 stars). 3 submissions from 3 submitters: Pathogenic (1); Likely pathogenic (1); Uncertain significance (1). Last evaluated 2026-05-19.

Conditions:
Hereditary pancreatitis (PCTT). Also called: Hereditary chronic pancreatitis; PRSS1-Related Hereditary Pancreatitis. Identifiers: Orphanet 676, MedGen C0238339, MONDO:0008185, OMIM 167800.

Submissions (3):

Ambry Genetics
Classification: Pathogenic for Hereditary pancreatitis. Last evaluated: 2026-05-19. Review status: criteria provided, single submitter. Criteria: Ambry Variant Classification Scheme 2023. Collection method: clinical testing. Allele origin: germline.
Comment: The c.231_232insG pathogenic mutation, located in coding exon 4 of the CTRC gene, results from an insertion of one nucleotide at position 231, causing a translational frameshift with a predicted alternate stop codon (p.N78Efs*44). This alteration is expected to result in loss of function by premature protein truncation or nonsense-mediated mRNA decay. As such, this alteration is interpreted as a disease-causing mutation.

ARUP Laboratories, Molecular Genetics and Genomics, ARUP Laboratories
Classification: Likely pathogenic for Hereditary pancreatitis. Last evaluated: 2025-05-21. Review status: criteria provided, single submitter. Criteria: ARUP Molecular Germline Variant Investigation Process 2024. Collection method: clinical testing. Allele origin: germline.
Comment: The CTRC c.231_232insG; p.Asn78GlufsTer44 variant (rs1448191352), to our knowledge, is not reported in the medical literature but is reported in ClinVar (Variation ID: 3668644). This variant is only observed on three alleles in the Genome Aggregation Database (v2.1.1), indicating it is not a common polymorphism. This variant causes a frameshift by inserting a single nucleotide, so it is predicted to result in a truncated protein or mRNA subject to nonsense-mediated decay. Based on available information, this variant is considered to be likely pathogenic.

Labcorp Genetics (formerly Invitae), Labcorp
Classification: Uncertain significance for Hereditary pancreatitis. Last evaluated: 2024-10-04. Review status: criteria provided, single submitter. Criteria: Invitae Variant Classification Sherloc (09022015). Collection method: clinical testing. Allele origin: germline.
Comment: This sequence change creates a premature translational stop signal (p.Asn78Glufs*44) in the CTRC gene. It is expected to result in an absent or disrupted protein product. However, the current clinical and genetic evidence is not sufficient to establish whether loss-of-function variants in CTRC cause disease. This variant is present in population databases (no rsID available, gnomAD 0.002%). This variant has not been reported in the literature in individuals affected with CTRC-related conditions. In summary, the available evidence is currently insufficient to determine the role of this variant in disease. Therefore, it has been classified as a Variant of Uncertain Significance.